The following is an entry in ClinVar:

ClinVar aggregate classification (germline): Likely pathogenic (1 of 4 stars; one submission).

Conditions:
Coffin-Siris syndrome 1 (CSS1). Also called: Mental retardation, autosomal dominant 12; ARID1B-Related Coffin-Siris Syndrome. Identifiers: Orphanet 1465, MedGen C3281201, MONDO:0007617, OMIM 135900. Disease mechanism: gain of function.

Submission:

MVZ Medizinische Genetik Mainz
Classification: Likely pathogenic for Coffin-Siris syndrome 1. Last evaluated: 2023-05-22. Review status: criteria provided, single submitter. Criteria: UK Practice Guidelines For Variant Classification V4 01 2020. Collection method: clinical testing. Allele origin: germline. Inheritance: Autosomal dominant inheritance. Affected: yes. Observed: 1 variant allele.
Comment: ACMG Criteria: PS2,PM4,PM2_SUP,PP3,PP4,BP1

NM_001374828.1(ARID1B):c.6451_6453del (p.Leu2151del)

Gene: ARID1B (AT-rich interaction domain 1B; plus strand). Cytogenetic location: 6q25.3.
Variant type: Deletion.
Coding change: c.6451_6453del on transcript NM_001374828.1 (MANE Select); coding-DNA positions 6451 to 6453, 3 bases deleted (TTG; older notation c.6451_6453delTTG).
Protein change: p.Leu2151del; deletes leucine 2151.
Molecular consequence: inframe deletion. On other transcripts: inframe indel (3).
Genome position (GRCh38, 1-based): chr6:157,207,223-157,207,225, TTG deleted; deleting any 3 consecutive bases within chr6:157,207,222-157,207,225 gives the same sequence; the c. name uses the placement nearest the transcript's 3' end. VCF-style (leftmost placement, unchanged base first): chr6-157207221-CGTT-C. GRCh37 (hg19) VCF-style: chr6-157528355-CGTT-C.
Other names: c.6202_6204delTTG, p.Leu2068del (NM_001346813.1); c.3952_3954del, p.Leu1318del (NM_001363725.2); c.6331_6333del, p.Leu2111del (NM_001371656.1, NM_001374820.1); c.6292_6294del, p.Leu2098del (NM_017519.3); c.6082_6084delTTG, p.Leu2028del (NM_020732.3); c.5869_5871delTTG, p.Leu1957del (NM_175863.2); short protein forms L1318del, L1957del, L2028del, L2068del, L2098del, L2111del, L2151del.
Identifiers: ClinVar variation 3236222 (VCV003236222.1), dbSNP rs2538783302, ClinGen allele CA2825001472.